The following is an entry in ClinVar:

NM_001197104.2(KMT2A):c.11429+5G>A

Genes: KMT2A (lysine methyltransferase 2A; plus strand), TTC36-AS1 (TTC36 and KMT2A antisense RNA 1; minus strand). Cytogenetic location: 11q23.3.
Variant type: single nucleotide variant.
Coding change: c.11429+5G>A on transcript NM_001197104.2 (MANE Select); 5 bases into the intron after coding-DNA position 11429, G replaced by A.
Molecular consequence: intron variant.
Genome position (GRCh38, 1-based): chr11:118,520,069, G>A. VCF-style: chr11-118520069-G-A. GRCh37 (hg19) VCF-style: chr11-118390784-G-A.
Other names: c.11519+5G>A (NM_001412597.1); c.11420+5G>A (NM_005933.4).
Identifiers: ClinVar variation 2663603 (VCV002663603.1), dbSNP rs2497113481, ClinGen allele CA2695199025.

ClinVar aggregate classification (germline): Uncertain significance (1 of 4 stars; one submission).

Submission:

GeneDx
Classification: Uncertain significance. Last evaluated: 2023-04-19. Review status: criteria provided, single submitter. Criteria: GeneDx Variant Classification Process June 2021. Collection method: clinical testing. Allele origin: germline. Affected: yes.
Comment: Not observed at significant frequency in large population cohorts (gnomAD); In silico analysis supports a deleterious effect on splicing; Has not been previously published as pathogenic or benign to our knowledge